The following is an entry in ClinVar:

NM_000875.5(IGF1R):c.1914C>T (p.Asn638=)

Gene: IGF1R (insulin like growth factor 1 receptor; plus strand). Cytogenetic location: 15q26.3.
Variant type: single nucleotide variant.
Coding change: c.1914C>T on transcript NM_000875.5 (MANE Select); coding-DNA position 1914, C replaced by T.
Protein change: p.Asn638=; no amino-acid change (asparagine 638 retained).
Molecular consequence: synonymous variant.
Genome position (GRCh38, 1-based): chr15:98,916,049, C>T. VCF-style: chr15-98916049-C-T. GRCh37 (hg19) VCF-style: chr15-99459278-C-T.
Other names: c.1914C>T, p.Asn638= (NM_001291858.2).
Identifiers: ClinVar variation 199042 (VCV000199042.45), dbSNP rs45506098, ClinGen allele CA203721.

ClinVar aggregate classification (germline): Benign. Review status: criteria provided, multiple submitters, no conflicts (2 of 4 stars). 8 submissions from 8 submitters: Benign (6). 2 of the submissions do not count toward it. Last evaluated 2026-09-01.

Conditions:
Growth delay due to insulin-like growth factor I resistance. Also called: Insulin-Like Growth Factor I Resistance; Somatomedin end-organ insensitivity to; Somatomedin-c resistance to; IGF-1 resistance; IGF-I RESISTANCE. Identifiers: Orphanet 73273, MedGen C1849157, MONDO:0010038, OMIM 270450.

Allele frequency attached by ClinVar (database versions not stated): 1000 Genomes Project 0.00479; 1000 Genomes Project 30x 0.00500; ESP Exome Variant Server 0.00724; ExAC 0.00729; TOPMed 0.00736; gnomAD 0.00749 and 0.00771; gnomAD exomes 0.00776 and 0.00969.
gnomAD v4.1: 15,295 of 1,614,182 alleles (0.95%); highest among the groups gnomAD compares: Non-Finnish European, 1.1%; 108 homozygotes.

Submissions (8):

CeGaT Center for Human Genetics Tuebingen
Classification: Benign. Last evaluated: 2026-09-01. Review status: criteria provided, single submitter. Criteria: CeGaT Center For Human Genetics Tuebingen Variant Classification Criteria Version 2. Collection method: clinical testing. Allele origin: germline. Affected: yes. Observed: 36 variant alleles.
Comment: IGF1R: BP4, BP7, BS1, BS2

Women's Health and Genetics/Laboratory Corporation of America, LabCorp
Classification: Benign. Last evaluated: 2026-05-11. Review status: criteria provided, single submitter. Criteria: LabCorp Variant Classification Summary - May 2015. Collection method: clinical testing. Allele origin: germline.

Labcorp Genetics (formerly Invitae), Labcorp
Classification: Benign. Last evaluated: 2026-01-28. Review status: criteria provided, single submitter. Criteria: Invitae Variant Classification Sherloc (09022015). Collection method: clinical testing. Allele origin: germline.

Illumina Laboratory Services, Illumina
Classification: Benign for Growth delay due to insulin-like growth factor I resistance. Last evaluated: 2017-04-27. Review status: criteria provided, single submitter. Criteria: ICSL Variant Classification Criteria 13 December 2019. Collection method: clinical testing. Allele origin: germline.
Comment: This variant was observed as part of a predisposition screen in an ostensibly healthy population. A literature search was performed for the gene, cDNA change, and amino acid change (where applicable). Publications were found based on this search. The evidence from the literature, in combination with allele frequency data from public databases where available, was sufficient to rule this variant out of causing disease. Therefore, this variant is classified as benign.

Eurofins Ntd Llc (ga)
Classification: Benign. Last evaluated: 2015-03-17. Review status: criteria provided, single submitter. Criteria: EGL Classification Definitions 2015. Collection method: clinical testing. Allele origin: germline. Observed: 1 variant allele, 1 heterozygote.

Breakthrough Genomics
Classification: Benign. Review status: criteria provided, single submitter. Criteria: ACMG Guidelines, 2015. Collection method: not provided. Allele origin: germline. Inheritance: Autosomal dominant inheritance. Affected: yes.

Clinical Genetics DNA and cytogenetics Diagnostics Lab, Erasmus MC, Erasmus Medical Center
Classification: Likely benign. Review status: no assertion criteria provided. Collection method: clinical testing. Allele origin: germline. Affected: yes. Study: VKGL Data-share Consensus. Not counted in ClinVar's aggregate classification.

Laboratory of Diagnostic Genome Analysis, Leiden University Medical Center (LUMC)
Classification: Likely benign. Review status: no assertion criteria provided. Collection method: clinical testing. Allele origin: germline. Affected: yes. Study: VKGL Data-share Consensus. Not counted in ClinVar's aggregate classification.

Literature cited by the submitters: PubMed 20625407 (cited by Illumina Laboratory Services, Illumina).